The following is an entry in ClinVar:

ClinVar aggregate classification (germline): Uncertain significance (1 of 4 stars; one submission).

Submission:

GeneDx
Classification: Uncertain significance. Last evaluated: 2023-05-26. Review status: criteria provided, single submitter. Criteria: GeneDx Variant Classification Process June 2021. Collection method: clinical testing. Allele origin: germline. Affected: yes.
Comment: Not observed at significant frequency in large population cohorts (gnomAD); In silico analysis supports that this missense variant has a deleterious effect on protein structure/function; Has not been previously published as pathogenic or benign to our knowledge

NM_001199107.2(TBC1D24):c.130T>G (p.Trp44Gly)

Gene: TBC1D24 (TBC1 domain family member 24; plus strand). Cytogenetic location: 16p13.3.
Variant type: single nucleotide variant.
Coding change: c.130T>G on transcript NM_001199107.2 (MANE Select); coding-DNA position 130, T replaced by G.
Protein change: p.Trp44Gly; replaces tryptophan 44 with glycine.
Molecular consequence: missense variant.
Genome position (GRCh38, 1-based): chr16:2,496,278, T>G. VCF-style: chr16-2496278-T-G. GRCh37 (hg19) VCF-style: chr16-2546279-T-G.
Other names: c.130T>G, p.Trp44Gly (NM_020705.3); short protein forms W44G.
Identifiers: ClinVar variation 3343698 (VCV003343698.1).